The following is an entry in ClinVar:

NM_182914.3(SYNE2):c.15464A>G (p.His5155Arg)

Gene: SYNE2 (spectrin repeat containing nuclear envelope protein 2; plus strand). Cytogenetic location: 14q23.2.
Variant type: single nucleotide variant.
Coding change: c.15464A>G on transcript NM_182914.3 (MANE Select); coding-DNA position 15464, A replaced by G.
Protein change: p.His5155Arg; replaces histidine 5155 with arginine.
Molecular consequence: missense variant.
Genome position (GRCh38, 1-based): chr14:64,143,929, A>G. VCF-style: chr14-64143929-A-G. GRCh37 (hg19) VCF-style: chr14-64610647-A-G.
Other names: c.15464A>G, p.His5155Arg (NM_015180.6); short protein forms H5155R.
Identifiers: ClinVar variation 1519802 (VCV001519802.5), dbSNP rs112886641, ClinGen allele CA7223088.

ClinVar aggregate classification (germline): Uncertain significance (1 of 4 stars; one submission).

Conditions:
Emery-Dreifuss muscular dystrophy 5, autosomal dominant (EDMD5). Also called: EMERY-DREIFUSS MUSCULAR DYSTROPHY 5. Identifiers: Orphanet 261, MedGen C2751805, MONDO:0013072, OMIM 612999.

Allele frequency attached by ClinVar (database versions not stated): ExAC 0.00001; gnomAD exomes 0.00001; gnomAD 0.00002; TOPMed 0.00005; ESP Exome Variant Server 0.00008.
gnomAD v4.1: 25 of 1,614,080 alleles (0.0015%); highest among the groups gnomAD compares: African/African-American, 0.016%; no homozygotes.

Submission:

Labcorp Genetics (formerly Invitae), Labcorp
Classification: Uncertain significance for Emery-Dreifuss muscular dystrophy 5, autosomal dominant. Last evaluated: 2024-05-14. Review status: criteria provided, single submitter. Criteria: Invitae Variant Classification Sherloc (09022015). Collection method: clinical testing. Allele origin: germline.
Comment: This sequence change replaces histidine, which is basic and polar, with arginine, which is basic and polar, at codon 5155 of the SYNE2 protein (p.His5155Arg). This variant is present in population databases (rs112886641, gnomAD 0.01%). This variant has not been reported in the literature in individuals affected with SYNE2-related conditions. ClinVar contains an entry for this variant (Variation ID: 1519802). An algorithm developed to predict the effect of missense changes on protein structure and function (PolyPhen-2) suggests that this variant is likely to be disruptive. In summary, the available evidence is currently insufficient to determine the role of this variant in disease. Therefore, it has been classified as a Variant of Uncertain Significance.